The following is an entry in ClinVar:

ClinVar aggregate classification (germline): Uncertain significance. Review status: criteria provided, multiple submitters, no conflicts (2 of 4 stars). 5 submissions from 5 submitters: Uncertain significance (5). Last evaluated 2025-12-06.

Conditions:
TCF3-related disorder. Also called: TCF3-related condition.
Agammaglobulinemia 8b, autosomal recessive. Also called: AGAMMAGLOBULINEMIA, AUTOSOMAL RECESSIVE, DUE TO TCF3 DEFECT. Identifiers: MedGen C5676958, MONDO:0859234, OMIM 619824.
Agammaglobulinemia 8, autosomal dominant (AGM8A). Also called: AGAMMAGLOBULINEMIA, AUTOSOMAL DOMINANT, DUE TO TCF3 DEFECT; AGAMMAGLOBULINEMIA 8A, AUTOSOMAL DOMINANT. Identifiers: MedGen C4310786, MONDO:0014840, OMIM 616941.
Inborn genetic diseases. Identifiers: MedGen C0950123, MeSH D030342.

Allele frequency attached by ClinVar (database versions not stated): gnomAD 0.00007; ESP Exome Variant Server 0.00008; ExAC 0.00009; TOPMed 0.00009; gnomAD exomes 0.00010.
gnomAD v4.1: 155 of 1,592,876 alleles (0.0097%); highest among the groups gnomAD compares: Non-Finnish European, 0.011%; no homozygotes.

Submissions (5):

Labcorp Genetics (formerly Invitae), Labcorp
Classification: Uncertain significance. Last evaluated: 2025-12-06. Review status: criteria provided, single submitter. Criteria: Invitae Variant Classification Sherloc (09022015). Collection method: clinical testing. Allele origin: germline.
Comment: This sequence change replaces threonine, which is neutral and polar, with isoleucine, which is neutral and non-polar, at codon 411 of the TCF3 protein (p.Thr411Ile). This variant is present in population databases (rs370832461, gnomAD 0.05%). This variant has not been reported in the literature in individuals affected with TCF3-related conditions. ClinVar contains an entry for this variant (Variation ID: 1364813). Invitae Evidence Modeling of protein sequence and biophysical properties (such as structural, functional, and spatial information, amino acid conservation, physicochemical variation, residue mobility, and thermodynamic stability) indicates that this missense variant is not expected to disrupt TCF3 protein function with a negative predictive value of 80%. In summary, the available evidence is currently insufficient to determine the role of this variant in disease. Therefore, it has been classified as a Variant of Uncertain Significance.

Clinical Genomics Laboratory, Washington University in St. Louis
Classification: Uncertain significance for Agammaglobulinemia 8, autosomal dominant; Agammaglobulinemia 8b, autosomal recessive. Last evaluated: 2025-07-24. Review status: criteria provided, single submitter. Criteria: ACMG Guidelines, 2015. Collection method: clinical testing. Allele origin: germline.
Comment: The TCF3 c.1232C>T (p.Thr411Ile) variant, to our knowledge, has not been reported in the medical literature but the variant has been reported in the ClinVar database as a germline variant of uncertain significance by two submitters. This variant is only observed on 25/263,696 alleles in the general population (gnomAD v.2.1.1), indicating it is not a common variant. Computational predictors suggest that the variant does not impact TCF3 function. Due to limited information, and based on ACMG/AMP guidelines for variant interpretation (Richards S et al., PMID: 25741868), the clinical significance of this variant is uncertain at this time.

PreventionGenetics, part of Exact Sciences
Classification: Uncertain significance for TCF3-related condition. Last evaluated: 2025-01-18. Review status: criteria provided, single submitter. Criteria: ACMG Guidelines, 2015. Collection method: clinical testing. Allele origin: germline.
Comment: The TCF3 c.1232C>T variant is predicted to result in the amino acid substitution p.Thr411Ile. To our knowledge, this variant has not been reported in the literature. This variant is reported in 0.050% of alleles in individuals of Ashkenazi Jewish descent in gnomAD. At this time, the clinical significance of this variant is uncertain due to the absence of conclusive functional and genetic evidence.

Ambry Genetics
Classification: Uncertain significance for Inborn genetic diseases. Last evaluated: 2024-11-07. Review status: criteria provided, single submitter. Criteria: Ambry Variant Classification Scheme 2023. Collection method: clinical testing. Allele origin: germline.

Blueprint Genetics
Classification: Uncertain significance. Last evaluated: 2024-08-31. Review status: criteria provided, single submitter. Criteria: ACMG Guidelines, 2015. Collection method: clinical testing. Allele origin: germline.

NM_003200.5(TCF3):c.1232C>T (p.Thr411Ile)

Gene: TCF3 (transcription factor 3; minus strand). Cytogenetic location: 19p13.3.
Variant type: single nucleotide variant.
Coding change: c.1232C>T on transcript NM_003200.5 (MANE Select); coding-DNA position 1232, C replaced by T.
Protein change: p.Thr411Ile; replaces threonine 411 with isoleucine.
Molecular consequence: missense variant.
Genome position (GRCh38, 1-based): chr19:1,619,410, G>A on the plus strand (C>T on the coding strand, the complement: TCF3 is on the minus strand). VCF-style: chr19-1619410-G-A. GRCh37 (hg19) VCF-style: chr19-1619409-G-A.
Other names: c.1232C>T (NM_003200.3); c.1232C>T, p.Thr411Ile (NM_001136139.4, NM_001351779.2); c.1229C>T, p.Thr410Ile (NM_001351778.2); short protein forms T410I, T411I.
Identifiers: ClinVar variation 1364813 (VCV001364813.11), dbSNP rs370832461, ClinGen allele CA9049970.